The following is an entry in ClinVar:

ClinVar aggregate classification (germline): Conflicting classifications of pathogenicity. Review status: criteria provided, conflicting classifications (1 of 4 stars). 4 submissions from 4 submitters: Uncertain significance (2); Likely benign (1). 1 of the submissions does not count toward it. Last evaluated 2026-01-07.

Conditions:
Retinal dystrophy. Also called: Inherited retinal dystrophy. Identifiers: Orphanet 71862, MedGen C0854723, MeSH D058499, MONDO:0019118, HP:0000556.
TOPORS-related disorder. Also called: TOPORS-related condition.

Allele frequency attached by ClinVar (database versions not stated): gnomAD 0.00019; gnomAD exomes 0.00019; ESP Exome Variant Server 0.00015; ExAC 0.00016; TOPMed 0.00016.

Submissions (4):

Labcorp Genetics (formerly Invitae), Labcorp
Classification: Uncertain significance. Last evaluated: 2026-01-07. Review status: criteria provided, single submitter. Criteria: Invitae Variant Classification Sherloc (09022015). Collection method: clinical testing. Allele origin: germline.
Comment: This sequence change replaces arginine, which is basic and polar, with cysteine, which is neutral and slightly polar, at codon 118 of the TOPORS protein (p.Arg118Cys). This variant is present in population databases (rs200405067, gnomAD 0.03%), and has an allele count higher than expected for a pathogenic variant. This variant has not been reported in the literature in individuals affected with TOPORS-related conditions. ClinVar contains an entry for this variant (Variation ID: 855172). An algorithm developed to predict the effect of missense changes on protein structure and function (PolyPhen-2) suggests that this variant is likely to be disruptive. In summary, the available evidence is currently insufficient to determine the role of this variant in disease. Therefore, it has been classified as a Variant of Uncertain Significance.

PreventionGenetics, part of Exact Sciences
Classification: Uncertain significance for TOPORS-related condition. Last evaluated: 2025-10-15. Review status: criteria provided, single submitter. Criteria: ACMG Guidelines, 2015. Collection method: clinical testing. Allele origin: germline.
Comment: The TOPORS c.352C>T variant is predicted to result in the amino acid substitution p.Arg118Cys. To our knowledge, this variant has not been reported in the literature. This variant is reported in 0.033% of alleles in individuals of European (Non-Finnish) descent in gnomAD, which may be too frequent to be a primary cause of disease. Although we suspect that this variant may be benign, at this time, the clinical significance of this variant is uncertain due to the absence of conclusive functional and genetic evidence.

Blueprint Genetics
Classification: Likely benign. Last evaluated: 2023-06-13. Review status: criteria provided, single submitter. Criteria: ACMG Guidelines, 2015. Collection method: clinical testing. Allele origin: germline.

Institute of Human Genetics, Univ. Regensburg, Univ. Regensburg
Classification: Uncertain significance for Retinal dystrophy. Last evaluated: 2020-01-01. Review status: no assertion criteria provided. Criteria: ACMG Guidelines, 2015. Collection method: clinical testing. Allele origin: germline. Affected: yes. Not counted in ClinVar's aggregate classification.

NM_005802.5(TOPORS):c.352C>T (p.Arg118Cys)

Gene: TOPORS (TOP1 binding arginine/serine rich protein, E3 ubiquitin ligase; minus strand). Cytogenetic location: 9p21.1.
Variant type: single nucleotide variant.
Coding change: c.352C>T on transcript NM_005802.5 (MANE Select); coding-DNA position 352, C replaced by T.
Protein change: p.Arg118Cys; replaces arginine 118 with cysteine.
Molecular consequence: missense variant.
Genome position (GRCh38, 1-based): chr9:32,544,173, G>A on the plus strand (C>T on the coding strand, the complement: TOPORS is on the minus strand). VCF-style: chr9-32544173-G-A. GRCh37 (hg19) VCF-style: chr9-32544171-G-A.
Other names: c.157C>T, p.Arg53Cys (NM_001195622.2); short protein forms R118C, R53C.
Identifiers: ClinVar variation 855172 (VCV000855172.10), dbSNP rs200405067, ClinGen allele CA5020659.